The following is an entry in ClinVar:

NM_177972.3(TUB):c.363C>T (p.Gly121=)

Genes: RIC3 (RIC3 acetylcholine receptor chaperone; minus strand), TUB (TUB bipartite transcription factor; plus strand). Cytogenetic location: 11p15.4.
Variant type: single nucleotide variant.
Coding change: c.363C>T on transcript NM_177972.3 (MANE Select); coding-DNA position 363, C replaced by T.
Protein change: p.Gly121=; no amino-acid change (glycine 121 retained).
Molecular consequence: synonymous variant. On other transcripts: non-coding transcript variant (1).
Genome position (GRCh38, 1-based): chr11:8,094,155, C>T. VCF-style: chr11-8094155-C-T. GRCh37 (hg19) VCF-style: chr11-8115702-C-T.
Other names: c.528C>T, p.Gly176= (NM_003320.5); c.528C>T (NM_003320.4).
Identifiers: ClinVar variation 1122312 (VCV001122312.12), dbSNP rs371754344, ClinGen allele CA5871051.

ClinVar aggregate classification (germline): Likely benign. Review status: criteria provided, multiple submitters, no conflicts (2 of 4 stars). 3 submissions from 3 submitters: Likely benign (2). 1 of the submissions does not count toward it. Last evaluated 2025-05-19.

Conditions:
TUB-related disorder. Also called: TUB-related condition.

Allele frequency attached by ClinVar (database versions not stated): gnomAD 0.00004; TOPMed 0.00006; ESP Exome Variant Server 0.00008; gnomAD exomes 0.00008 and 0.00010; ExAC 0.00012.
gnomAD v4.1: 145 of 1,613,740 alleles (0.009%); highest among the groups gnomAD compares: South Asian, 0.024%; no homozygotes.

Submissions (3):

Labcorp Genetics (formerly Invitae), Labcorp
Classification: Likely benign. Last evaluated: 2025-05-19. Review status: criteria provided, single submitter. Criteria: Invitae Variant Classification Sherloc (09022015). Collection method: clinical testing. Allele origin: germline.

Blueprint Genetics
Classification: Likely benign. Last evaluated: 2024-11-18. Review status: criteria provided, single submitter. Criteria: ACMG Guidelines, 2015. Collection method: clinical testing. Allele origin: germline.

PreventionGenetics, part of Exact Sciences
Classification: Likely benign for TUB-related condition. Last evaluated: 2019-04-05. Review status: no assertion criteria provided. Collection method: clinical testing. Allele origin: germline. Not counted in ClinVar's aggregate classification.
Comment: This variant is classified as likely benign based on ACMG/AMP sequence variant interpretation guidelines (Richards et al. 2015 PMID: 25741868, with internal and published modifications).